The following is an entry in ClinVar:

ClinVar aggregate classification (germline): Uncertain significance (1 of 4 stars; one submission).

Conditions:
Primary ciliary dyskinesia 3. Identifiers: Orphanet 244, MedGen C1837618, MONDO:0012085, OMIM 608644.

Submission:

Myriad Genetics, Inc.
Classification: Uncertain significance for Primary ciliary dyskinesia 3. Last evaluated: 2026-06-09. Review status: criteria provided, single submitter. Criteria: Myriad Autosomal Dominant, Autosomal Recessive and X-Linked Classification Criteria (2023). Collection method: clinical testing. Allele origin: unknown.
Comment: NM_001369.2(DNAH5):c.8462T>C(L2821P) is a missense variant classified as a variant of uncertain significance in the context of primary ciliary dyskinesia, DNAH5-related. L2821P has been observed in a case with relevant disease (PMID: 31507630). Relevant functional assessments of this variant are not available in the literature. L2821P has not been observed in referenced population frequency databases. In summary, there is insufficient evidence to classify NM_001369.2(DNAH5):c.8462T>C(L2821P) as pathogenic or benign. Please note: this variant was assessed in the context of healthy population screening.

Literature cited by the submitters: PubMed 31507630.

NM_001369.3(DNAH5):c.8462T>C (p.Leu2821Pro)

Gene: DNAH5 (dynein axonemal heavy chain 5; minus strand). Cytogenetic location: 5p15.2.
Variant type: single nucleotide variant.
Coding change: c.8462T>C on transcript NM_001369.3 (MANE Select); coding-DNA position 8462, T replaced by C.
Protein change: p.Leu2821Pro; replaces leucine 2821 with proline.
Molecular consequence: missense variant.
Genome position (GRCh38, 1-based): chr5:13,788,901, A>G on the plus strand (T>C on the coding strand, the complement: DNAH5 is on the minus strand). VCF-style: chr5-13788901-A-G. GRCh37 (hg19) VCF-style: chr5-13789010-A-G.
Other names: short protein forms L2821P.
Identifiers: ClinVar variation 5003501 (VCV005003501.1).
Genomic context (GRCh38, chr5:13,788,901, plus strand): 5'-GTCACATCACTGGACACTGTGAAACGGTCAGCTATAACACGTTTACACTCATGCTTCCAC[A>G]GCTTTAACAGATCCTGTTGAAAGTATAATTAAAATGTGTTAGTAATTCCTGTTATGCCGT-3'
Protein context (NP_001360.1, residues 2811-2831): VIKEPNDLLK[Leu2821Pro]WKHECKRVIA